The following is an entry in ClinVar:

NM_001278716.2(FBXL4):c.45T>C (p.Tyr15=)

Gene: FBXL4 (F-box and leucine rich repeat protein 4; minus strand). Cytogenetic location: 6q16.2.
Variant type: single nucleotide variant.
Coding change: c.45T>C on transcript NM_001278716.2 (MANE Select); coding-DNA position 45, T replaced by C.
Protein change: p.Tyr15=; no amino-acid change (tyrosine 15 retained).
Molecular consequence: synonymous variant. On other transcripts: non-coding transcript variant (2).
Genome position (GRCh38, 1-based): chr6:98,926,944, A>G on the plus strand (T>C on the coding strand, the complement: FBXL4 is on the minus strand). VCF-style: chr6-98926944-A-G. GRCh37 (hg19) VCF-style: chr6-99374820-A-G.
Other names: c.45T>C, p.Tyr15= (NM_012160.5).
Identifiers: ClinVar variation 437519 (VCV000437519.1), dbSNP rs372735676, ClinGen allele CA3933757.

ClinVar aggregate classification (germline): Uncertain significance (1 of 4 stars; one submission).

Conditions:
Mitochondrial DNA depletion syndrome 13. Also called: FBXL4-Related Encephalomyopathic Mitochondrial DNA Depletion Syndrome; Mitochondrial DNA depletion syndrome 13 (encephalomyopathic type). Identifiers: Orphanet 369897, MedGen C3809592, MONDO:0014198, OMIM 615471.

Allele frequency attached by ClinVar (database versions not stated): ExAC 0.00001; gnomAD exomes 0.00001; ESP Exome Variant Server 0.00008.

Submission:

Wong Mito Lab, Molecular and Human Genetics, Baylor College of Medicine
Classification: Uncertain significance for Mitochondrial DNA depletion syndrome 13. Last evaluated: 2017-08-10. Review status: criteria provided, single submitter. Criteria: ACMG Guidelines, 2015. Collection method: reference population. Allele origin: germline.
Comment: The NM_012160.4:c.45T>C (NP_036292.2:p.Tyr15=) [GRCH38: NC_000006.12:g.98926944A>G] variant in FBXL4 gene is interpretated to be a Uncertain Significance - Conflicting Evidence based on ACMG guidelines (PMID: 25741868). This variant meets one or more of the following evidence codes reported in the ACMG-guideline. PM2:This variant is absent in key population databases. BP4:Computational evidence/predictors indicate no impact on the FBXL4 structure, function, or protein-protein interaction. BP7:The variant is silent with non predicted splice impact. Based on this evidence code ClinGen Pathogenicity Calculator (PMID:28081714) suggested that the variant is Uncertain Significance - Conflicting Evidence.